The following is an entry in ClinVar:

NM_001375808.2(LPIN2):c.2224G>A (p.Asp742Asn)

Gene: LPIN2 (lipin 2; minus strand). Cytogenetic location: 18p11.31.
Variant type: single nucleotide variant.
Coding change: c.2224G>A on transcript NM_001375808.2 (MANE Select); coding-DNA position 2224, G replaced by A.
Protein change: p.Asp742Asn; replaces aspartic acid 742 with asparagine.
Molecular consequence: missense variant.
Genome position (GRCh38, 1-based): chr18:2,922,150, C>T on the plus strand (G>A on the coding strand, the complement: LPIN2 is on the minus strand). VCF-style: chr18-2922150-C-T. GRCh37 (hg19) VCF-style: chr18-2922148-C-T.
Other names: c.2224G>A, p.Asp742Asn (NM_001375809.1, NM_014646.2); short protein forms D742N.
Identifiers: ClinVar variation 536351 (VCV000536351.39), dbSNP rs779538504, ClinGen allele CA8872799.

ClinVar aggregate classification (germline): Uncertain significance. Review status: criteria provided, multiple submitters, no conflicts (2 of 4 stars). 4 submissions from 4 submitters: Uncertain significance (4). Last evaluated 2024-03-26.

Conditions:
Inborn genetic diseases. Identifiers: MedGen C0950123, MeSH D030342.
Majeed syndrome (MJDS). Also called: CHRONIC RECURRENT MULTIFOCAL OSTEOMYELITIS 1, WITH CONGENITAL DYSERYTHROPOIETIC ANEMIA, WITH OR WITHOUT NEUTROPHILIC DERMATOSIS; LPIN2-Related Majeed Syndrome. Identifiers: Orphanet 77297, MedGen C1864997, MONDO:0012316, OMIM 609628.

Allele frequency attached by ClinVar (database versions not stated): ExAC 0.00001; gnomAD 0.00001; gnomAD exomes 0.00001 and 0.00002; TOPMed 0.00002.
gnomAD v4.1: 10 of 1,613,940 alleles (0.00062%); highest among the groups gnomAD compares: South Asian, 0.0011%; no homozygotes.

Submissions (4):

Revvity Omics, Revvity
Classification: Uncertain significance for Majeed syndrome. Last evaluated: 2024-03-26. Review status: criteria provided, single submitter. Criteria: ACMG Guidelines, 2015. Collection method: clinical testing. Allele origin: germline.

Ambry Genetics
Classification: Uncertain significance for Inborn genetic diseases. Last evaluated: 2023-10-20. Review status: criteria provided, single submitter. Criteria: Ambry Variant Classification Scheme 2023. Collection method: clinical testing. Allele origin: germline.

CeGaT Center for Human Genetics Tuebingen
Classification: Uncertain significance. Last evaluated: 2022-12-01. Review status: criteria provided, single submitter. Criteria: CeGaT Center For Human Genetics Tuebingen Variant Classification Criteria Version 2. Collection method: clinical testing. Allele origin: germline. Affected: yes. Observed: 1 variant allele.
Comment: LPIN2: PM2, PP3

Labcorp Genetics (formerly Invitae), Labcorp
Classification: Uncertain significance for Majeed syndrome. Last evaluated: 2020-01-18. Review status: criteria provided, single submitter. Criteria: Invitae Variant Classification Sherloc (09022015). Collection method: clinical testing. Allele origin: germline.
Comment: In summary, the available evidence is currently insufficient to determine the role of this variant in disease. Therefore, it has been classified as a Variant of Uncertain Significance. Algorithms developed to predict the effect of missense changes on protein structure and function do not agree on the potential impact of this missense change (SIFT: "Tolerated"; PolyPhen-2: "Probably Damaging"; Align-GVGD: "Class C0"). This variant has not been reported in the literature in individuals with LPIN2-related disease. This variant is present in population databases (rs779538504, ExAC 0.002%). This sequence change replaces aspartic acid with asparagine at codon 742 of the LPIN2 protein (p.Asp742Asn). The aspartic acid residue is highly conserved and there is a small physicochemical difference between aspartic acid and asparagine.